The following is an entry in ClinVar:

ClinVar aggregate classification (germline): Pathogenic/Likely pathogenic. Review status: criteria provided, multiple submitters, no conflicts (2 of 4 stars). 2 submissions from 2 submitters: Pathogenic (1); Likely pathogenic (1). Last evaluated 2024-06-10.

Conditions:
Nemaline myopathy 2 (NEM2). Also called: Nemaline myopathy 2, autosomal recessive. Identifiers: MedGen C1850569, MONDO:0009725, OMIM 256030.
Arthrogryposis multiplex congenita 6. Identifiers: MedGen C5543431, MONDO:0030281, OMIM 619334.

Submissions (2):

Fulgent Genetics
Classification: Likely pathogenic for Nemaline myopathy 2; Arthrogryposis multiplex congenita 6. Last evaluated: 2024-06-10. Review status: criteria provided, single submitter. Criteria: ACMG Guidelines, 2015. Collection method: clinical testing. Allele origin: germline.

Labcorp Genetics (formerly Invitae), Labcorp
Classification: Pathogenic for Nemaline myopathy 2. Last evaluated: 2022-03-12. Review status: criteria provided, single submitter. Criteria: Invitae Variant Classification Sherloc (09022015). Collection method: clinical testing. Allele origin: germline.
Comment: For these reasons, this variant has been classified as Pathogenic. This variant has not been reported in the literature in individuals affected with NEB-related conditions. This variant is not present in population databases (gnomAD no frequency). This sequence change creates a premature translational stop signal (p.Trp3639*) in the NEB gene. It is expected to result in an absent or disrupted protein product. Loss-of-function variants in NEB are known to be pathogenic (PMID: 25205138).

Literature cited by the submitters: PubMed 25205138 (cited by Labcorp Genetics (formerly Invitae), Labcorp).

NM_001164508.2(NEB):c.10916G>A (p.Trp3639Ter)

Gene: NEB (nebulin; minus strand). Cytogenetic location: 2q23.3.
Variant type: single nucleotide variant.
Coding change: c.10916G>A on transcript NM_001164508.2 (MANE Select); coding-DNA position 10916, G replaced by A.
Protein change: p.Trp3639Ter; replaces tryptophan 3639 with a stop codon.
Molecular consequence: nonsense.
Genome position (GRCh38, 1-based): chr2:151,618,435, C>T on the plus strand (G>A on the coding strand, the complement: NEB is on the minus strand). VCF-style: chr2-151618435-C-T. GRCh37 (hg19) VCF-style: chr2-152474949-C-T.
Other names: c.10916G>A, p.Trp3639Ter (NM_001164507.2, NM_001271208.2); c.10187G>A, p.Trp3396Ter (NM_004543.5); short protein forms W3396*, W3639*.
Identifiers: ClinVar variation 2109396 (VCV002109396.5), dbSNP rs2552232114, ClinGen allele CA348786535.
Genomic context (GRCh38, chr2:151,618,435, plus strand): 5'-TCACTAAGTAATTCTCCAGCTCTCTTGGCCCTAACAACTTCCAAGGAATCAATCGGAACC[C>T]AGCCAATGCCTTTCATCCATTCAAGGTCTGACTTATACAAATTCTGCAGATCAACAGATA-3'